The following is an entry in ClinVar:

NM_000038.6(APC):c.163A>G (p.Ile55Val)

Gene: APC (APC regulator of Wnt signaling pathway; plus strand). Cytogenetic location: 5q22.2.
Variant type: single nucleotide variant.
Coding change: c.163A>G on transcript NM_000038.6 (MANE Select); coding-DNA position 163, A replaced by G.
Protein change: p.Ile55Val; replaces isoleucine 55 with valine.
Molecular consequence: missense variant. On other transcripts: 5 prime UTR variant (4).
Genome position (GRCh38, 1-based): chr5:112,766,353, A>G. VCF-style: chr5-112766353-A-G. GRCh37 (hg19) VCF-style: chr5-112102050-A-G.
Other names: c.163A>G, p.Ile55Val (NM_001127510.3, NM_001354895.2, NM_001354896.2 and 2 more transcripts); c.193A>G, p.Ile65Val (NM_001127511.3, NM_001354897.2, NM_001354902.2); c.88A>G, p.Ile30Val (NM_001354898.2, NM_001354904.2); c.-15A>G (NM_001354900.2, NM_001354901.2, NM_001354905.2); c.-873A>G (NM_001354906.2); short protein forms I55V, I65V, I30V.
Identifiers: ClinVar variation 482250 (VCV000482250.17), dbSNP rs760158426, ClinGen allele CA028920.

ClinVar aggregate classification (germline): Uncertain significance. Review status: criteria provided, multiple submitters, no conflicts (2 of 4 stars). 3 submissions from 3 submitters: Uncertain significance (3). Last evaluated 2025-09-04.

Conditions:
Hereditary cancer-predisposing syndrome. Also called: Neoplastic Syndromes, Hereditary; Tumor predisposition; Hereditary Cancer Syndrome; Hereditary neoplastic syndrome. Identifiers: Orphanet 140162, MedGen C0027672, MeSH D009386, MONDO:0015356.
Familial adenomatous polyposis 1 (FAP1). Also called: FAMILIAL ADENOMATOUS POLYPOSIS 1, ATTENUATED; POLYPOSIS, ADENOMATOUS INTESTINAL. Identifiers: MedGen C2713442, MONDO:0021056, OMIM 175100. Disease mechanism: loss of function.

Allele frequency attached by ClinVar (database versions not stated): TOPMed below 0.00001; ExAC 0.00001; gnomAD 0.00001; gnomAD exomes 0.00001.
gnomAD v4.1: 13 of 1,610,850 alleles (0.00081%); highest among the groups gnomAD compares: Non-Finnish European, 0.0011%; no homozygotes.

Submissions (3):

Ambry Genetics
Classification: Uncertain significance for Hereditary cancer-predisposing syndrome. Last evaluated: 2025-09-04. Review status: criteria provided, single submitter. Criteria: Ambry Variant Classification Scheme 2023. Collection method: clinical testing. Allele origin: germline.
Comment: The p.I55V variant (also known as c.163A>G), located in coding exon 2 of the APC gene, results from an A to G substitution at nucleotide position 163. The isoleucine at codon 55 is replaced by valine, an amino acid with highly similar properties. This amino acid position is highly conserved in available vertebrate species. In addition, in silico predictors for this gene do not accurately predict pathogenicity. Since supporting evidence is limited at this time, the clinical significance of this alteration remains unclear.

GeneDx
Classification: Uncertain significance. Last evaluated: 2024-04-03. Review status: criteria provided, single submitter. Criteria: GeneDx Variant Classification Process June 2021. Collection method: clinical testing. Allele origin: germline. Affected: yes.
Comment: Not observed at significant frequency in large population cohorts (gnomAD); In silico analysis supports that this missense variant does not alter protein structure/function; Has not been previously published as pathogenic or benign to our knowledge; This variant is associated with the following publications: (PMID: 18199528)

Labcorp Genetics (formerly Invitae), Labcorp
Classification: Uncertain significance for Familial adenomatous polyposis 1. Last evaluated: 2023-08-30. Review status: criteria provided, single submitter. Criteria: Invitae Variant Classification Sherloc (09022015). Collection method: clinical testing. Allele origin: germline.
Comment: In summary, the available evidence is currently insufficient to determine the role of this variant in disease. Therefore, it has been classified as a Variant of Uncertain Significance. Advanced modeling of protein sequence and biophysical properties (such as structural, functional, and spatial information, amino acid conservation, physicochemical variation, residue mobility, and thermodynamic stability) performed at Invitae indicates that this missense variant is not expected to disrupt APC protein function. ClinVar contains an entry for this variant (Variation ID: 482250). This variant has not been reported in the literature in individuals affected with APC-related conditions. This variant is present in population databases (rs760158426, gnomAD 0.002%). This sequence change replaces isoleucine, which is neutral and non-polar, with valine, which is neutral and non-polar, at codon 55 of the APC protein (p.Ile55Val).